The following is an entry in ClinVar:

NM_001312909.2(FAM111A):c.1705C>G (p.Arg569Gly)

Gene: FAM111A (FAM111 trypsin like peptidase A; plus strand). Cytogenetic location: 11q12.1.
Variant type: single nucleotide variant.
Coding change: c.1705C>G on transcript NM_001312909.2 (MANE Select); coding-DNA position 1705, C replaced by G.
Protein change: p.Arg569Gly; replaces arginine 569 with glycine.
Molecular consequence: missense variant.
Genome position (GRCh38, 1-based): chr11:59,153,373, C>G. VCF-style: chr11-59153373-C-G. GRCh37 (hg19) VCF-style: chr11-58920846-C-G.
Other names: c.1705C>G, p.Arg569Gly (NM_001142519.3, NM_001142520.3, NM_001142521.3 and 29 more transcripts); short protein forms R569G.
Identifiers: ClinVar variation 4854135 (VCV004854135.1).

ClinVar aggregate classification (germline): Likely pathogenic (1 of 4 stars; one submission).

Conditions:
Autosomal dominant Kenny-Caffey syndrome. Also called: Kenny-Caffey syndrome type 2. Identifiers: Orphanet 2333, Orphanet 93325, MedGen C4316787, MONDO:0007478, OMIM 127000.

Submission:

3billion
Classification: Likely pathogenic for Autosomal dominant Kenny-Caffey syndrome. Last evaluated: 2025-06-11. Review status: criteria provided, single submitter. Criteria: ACMG Guidelines, 2015. Collection method: clinical testing. Allele origin: germline. Affected: yes.
Comment: The variant is not observed in the gnomAD v4.1.0 dataset. Predicted Consequence/Location: Missense variant. Missense changes are a common disease-causing mechanism. In silico tool predictions suggest damaging effect of the variant on gene or gene product [3Cnet: 0.78 (> 0.75, sensitivity 0.96 and precision 0.92)]. A different missense change at the same codon (p.Arg569His) has been reported as pathogenic/likely pathogenic with strong evidence (ClinVar ID: VCV000056810 /PMID: 23684011). Therefore, this variant is classified as Likely pathogenic according to the recommendation of ACMG/AMP guideline.

Literature cited by the submitters: PubMed 23684011.